The following is an entry in ClinVar:

NM_006231.4(POLE):c.5958G>T (p.Leu1986Phe)

Gene: POLE (DNA polymerase epsilon, catalytic subunit; minus strand). Cytogenetic location: 12q24.33.
Variant type: single nucleotide variant.
Coding change: c.5958G>T on transcript NM_006231.4 (MANE Select); coding-DNA position 5958, G replaced by T.
Protein change: p.Leu1986Phe; replaces leucine 1986 with phenylalanine.
Molecular consequence: missense variant.
Genome position (GRCh38, 1-based): chr12:132,634,232, C>A on the plus strand (G>T on the coding strand, the complement: POLE is on the minus strand). VCF-style: chr12-132634232-C-A. GRCh37 (hg19) VCF-style: chr12-133210818-C-A.
Other names: short protein forms L1986F.
Identifiers: ClinVar variation 4862337 (VCV004862337.1).

ClinVar aggregate classification (germline): Uncertain significance (1 of 4 stars; one submission).

Conditions:
Hereditary cancer-predisposing syndrome. Also called: Neoplastic Syndromes, Hereditary; Tumor predisposition; Hereditary Cancer Syndrome; Hereditary neoplastic syndrome. Identifiers: Orphanet 140162, MedGen C0027672, MeSH D009386, MONDO:0015356.

Submission:

Ambry Genetics
Classification: Uncertain significance for Hereditary cancer-predisposing syndrome. Last evaluated: 2026-05-30. Review status: criteria provided, single submitter. Criteria: Ambry Variant Classification Scheme 2023. Collection method: clinical testing. Allele origin: germline.
Comment: The p.L1986F variant (also known as c.5958G>T), located in coding exon 43 of the POLE gene, results from a G to T substitution at nucleotide position 5958. The leucine at codon 1986 is replaced by phenylalanine, an amino acid with highly similar properties. This amino acid position is conserved. In addition, this alteration is predicted to be tolerated by in silico analysis. Based on the available evidence, the clinical significance of this variant remains unclear.